The following is an entry in ClinVar:

NM_000441.2(SLC26A4):c.412_415+21delinsTGACA

Gene: SLC26A4 (solute carrier family 26 member 4; plus strand). Cytogenetic location: 7q22.3.
Variant type: Indel.
Coding change: c.412_415+21delinsTGACA on transcript NM_000441.2 (MANE Select); coding-DNA position 412 through 21 bases into the intron after coding-DNA position 415, GTTGGTAATTATAAGTATATTTTAC replaced by TGACA.
Molecular consequence: splice donor variant.
Genome position (GRCh38, 1-based): chr7:107,672,245-107,672,269, GTTGGTAATTATAAGTATATTTTAC replaced by TGACA. VCF-style: chr7-107672245-GTTGGTAATTATAAGTATATTTTAC-TGACA. GRCh37 (hg19) VCF-style: chr7-107312690-GTTGGTAATTATAAGTATATTTTAC-TGACA.
Other names: c.412_415+21delGTTGGTAATTATAAGTATATTTTACinsTGACA (NM_000441.1).
Identifiers: ClinVar variation 2678906 (VCV002678906.5), dbSNP rs2535293821, ClinGen allele CA2695199612.

ClinVar aggregate classification (germline): Pathogenic/Likely pathogenic. Review status: criteria provided, multiple submitters, no conflicts (2 of 4 stars). 4 submissions from 4 submitters: Pathogenic (3); Likely pathogenic (1). Last evaluated 2025-09-24.

Conditions:
Pendred syndrome (PDS). Also called: THYROID DYSHORMONOGENESIS 2B; THYROID HORMONOGENESIS, GENETIC DEFECT IN, 2B; Pendred Syndrome (PDS); DEAFNESS WITH GOITER; GOITER-DEAFNESS SYNDROME; HYPOTHYROIDISM, CONGENITAL, DUE TO DYSHORMONOGENESIS, 2B. Identifiers: Orphanet 705, MedGen C0271829, MONDO:0010134, OMIM 274600.
Autosomal recessive nonsyndromic hearing loss 4 (DFNB4). Also called: FOXI1-Related Pendred Syndrome; KCNJ10-Related Pendred Syndrome; NEUROSENSORY NONSYNDROMIC RECESSIVE DEAFNESS 4; Deafness, autosomal recessive 4; Nonsyndromic enlarged vestibular aqueduct (NSEVA); DEAFNESS, AUTOSOMAL RECESSIVE 4, WITH ENLARGED VESTIBULAR AQUEDUCT, DIGENIC. Identifiers: Orphanet 90636, MedGen C3538946, MONDO:0010933, OMIM 600791.

Submissions (4):

GeneDx
Classification: Pathogenic. Last evaluated: 2025-09-24. Review status: criteria provided, single submitter. Criteria: GeneDx Variant Classification Process June 2021. Collection method: clinical testing. Allele origin: germline. Affected: yes.
Comment: Frameshift variant predicted to result in protein truncation or nonsense mediated decay in a gene for which loss-of-function is a known mechanism of disease; Not observed at significant frequency in large population cohorts (gnomAD); Has not been previously published as pathogenic or benign to our knowledge

Natera, Inc.
Classification: Pathogenic for Pendred syndrome. Last evaluated: 2024-10-23. Review status: criteria provided, single submitter. Criteria: Natera Variant Classification Schema (03/2026). Collection method: clinical testing. Allele origin: germline.
Comment: The c.412_415+21delGTTGGTAATTATAAGTATATTTTACinsTGACA variant in SLC26A4 is a deletion-insertion (delins) variant predicted to replace one or more nucleotides with a different sequence, affecting a canonical splice donor site and part of an exon. This variant is expected to result in nonsense mediated decay, truncation, or a dysfunctional protein product. This variant is rare in the general population with a frequency below the threshold expected for the associated phenotype(s). Another variant at this same site results in an alteration predicted to cause a similar molecular effect has been observed in individual(s) with the associated phenotype. Given the available evidence, this variant is classified as Pathogenic.

Baylor Genetics
Classification: Likely pathogenic for Autosomal recessive nonsyndromic hearing loss 4. Last evaluated: 2023-09-09. Review status: criteria provided, single submitter. Criteria: ACMG Guidelines, 2015. Collection method: clinical testing. Allele origin: unknown.

Labcorp Genetics (formerly Invitae), Labcorp
Classification: Pathogenic. Last evaluated: 2020-08-03. Review status: criteria provided, single submitter. Criteria: Invitae Variant Classification Sherloc (09022015). Collection method: clinical testing. Allele origin: germline.
Comment: This variant results in the deletion of part of exon 4 (c.412_415+21delinsTGACA) of the SLC26A4 gene. It is expected to disrupt RNA splicing and likely results in an absent or disrupted protein product. Loss-of-function variants in SLC26A4 are known to be pathogenic (PMID: 16283880, 25394566, 26252218, 26445815). This variant disrupts the p.Val138 amino acid residue in SLC26A4. Other variant(s) that disrupt this residue have been determined to be pathogenic (PMID: 21551164, 9618166, 11932316). This suggests that this residue is clinically significant, and that variants that disrupt this residue are likely to be disease-causing. Algorithms developed to predict the effect of sequence changes on RNA splicing suggest that this variant may disrupt the consensus splice site, but this prediction has not been confirmed by published transcriptional studies. This variant has not been reported in the literature in individuals with SLC26A4-related conditions. This variant is not present in population databases (ExAC no frequency). For these reasons, this variant has been classified as Pathogenic.

Literature cited by the submitters: PubMed 16283880 (cited by Labcorp Genetics (formerly Invitae), Labcorp); PubMed 25394566 (cited by Labcorp Genetics (formerly Invitae), Labcorp); PubMed 26252218 (cited by Labcorp Genetics (formerly Invitae), Labcorp); PubMed 26445815 (cited by Labcorp Genetics (formerly Invitae), Labcorp); PubMed 21551164 (cited by Labcorp Genetics (formerly Invitae), Labcorp); PubMed 9618166 (cited by Labcorp Genetics (formerly Invitae), Labcorp); PubMed 11932316 (cited by Labcorp Genetics (formerly Invitae), Labcorp).